The following is an entry in ClinVar:

NM_001330360.2(POLA1):c.269G>A (p.Gly90Asp)

Gene: POLA1 (DNA polymerase alpha 1, catalytic subunit; plus strand). Cytogenetic location: Xp22.11.
Variant type: single nucleotide variant.
Coding change: c.269G>A on transcript NM_001330360.2 (MANE Select); coding-DNA position 269, G replaced by A.
Protein change: p.Gly90Asp; replaces glycine 90 with aspartic acid.
Molecular consequence: missense variant. On other transcripts: non-coding transcript variant (2).
Genome position (GRCh38, 1-based): chrX:24,704,392, G>A. VCF-style: chrX-24704392-G-A. GRCh37 (hg19) VCF-style: chrX-24722509-G-A.
Other names: c.269G>A, p.Gly90Asp (NM_001378303.1); c.251G>A, p.Gly84Asp (NM_016937.4); short protein forms G84D, G90D.
Identifiers: ClinVar variation 1479579 (VCV001479579.8), dbSNP rs755917028, ClinGen allele CA10372740.

ClinVar aggregate classification (germline): Uncertain significance (1 of 4 stars; one submission).

Allele frequency attached by ClinVar (database versions not stated): gnomAD exomes 0.00001 and below 0.00001; ExAC 0.00001.
gnomAD v4.1: 3 of 1,188,558 alleles (0.00025%); highest among the groups gnomAD compares: South Asian, 0.0053%; no homozygotes.

Submission:

Labcorp Genetics (formerly Invitae), Labcorp
Classification: Uncertain significance. Last evaluated: 2026-01-08. Review status: criteria provided, single submitter. Criteria: Invitae Variant Classification Sherloc (09022015). Collection method: clinical testing. Allele origin: germline.
Comment: This sequence change replaces glycine, which is neutral and non-polar, with aspartic acid, which is acidic and polar, at codon 84 of the POLA1 protein (p.Gly84Asp). This variant is present in population databases (rs755917028, gnomAD 0.005%), including at least one homozygous and/or hemizygous individual. This variant has not been reported in the literature in individuals affected with POLA1-related conditions. ClinVar contains an entry for this variant (Variation ID: 1479579). Invitae Evidence Modeling of protein sequence and biophysical properties (such as structural, functional, and spatial information, amino acid conservation, physicochemical variation, residue mobility, and thermodynamic stability) indicates that this missense variant is expected to disrupt POLA1 protein function with a positive predictive value of 80%. In summary, the available evidence is currently insufficient to determine the role of this variant in disease. Therefore, it has been classified as a Variant of Uncertain Significance.